The following is an entry in ClinVar:

ClinVar aggregate classification (germline): Benign. Review status: criteria provided, multiple submitters, no conflicts (2 of 4 stars). 11 submissions from 11 submitters: Benign (7). 4 of the submissions do not count toward it. Last evaluated 2026-02-04.

Conditions:
Woodhouse-Sakati syndrome. Also called: Hypogonadism, diabetes mellitus, alopecia, mental retardation and electrocardiographic abnormalities; EXTRAPYRAMIDAL DISORDER, PROGRESSIVE, WITH PRIMARY HYPOGONADISM, MENTAL RETARDATION, AND ALOPECIA; Hypogonadism, Alopecia, Diabetes Mellitus, Mental Retardation, and Extrapyramidal Syndrome. Identifiers: Orphanet 3464, MedGen C0342286, MONDO:0009419, OMIM 241080.

Allele frequency attached by ClinVar (database versions not stated): ESP Exome Variant Server 0.19153; gnomAD 0.19825 and 0.20184; TOPMed 0.20121; 1000 Genomes Project 0.20667; gnomAD exomes 0.20750 and 0.23014; 1000 Genomes Project 30x 0.21065; ExAC 0.22666.
gnomAD v4.1: 333,863 of 1,612,106 alleles (21%); highest among the groups gnomAD compares: Admixed American, 33%; 36,200 homozygotes.

Submissions (11):

Labcorp Genetics (formerly Invitae), Labcorp
Classification: Benign for Woodhouse-Sakati syndrome. Last evaluated: 2026-02-04. Review status: criteria provided, single submitter. Criteria: Invitae Variant Classification Sherloc (09022015). Collection method: clinical testing. Allele origin: germline.

Unidad de Genómica Garrahan, Hospital de Pediatría Garrahan
Classification: Benign. Last evaluated: 2024-07-31. Review status: criteria provided, single submitter. Criteria: ACMG Guidelines, 2015. Collection method: clinical testing. Allele origin: germline. Affected: no. Observed: 47 variant alleles.
Comment: This variant is classified as Benign based on local population frequency. This variant was detected in 51% of patients studied in a panel designed for Epileptic and Developmental Encephalopathy, Progressive Myoclonus Epilepsy and Abnormal Movements and Neurodegeneration with brain iron accumulation. Number of patients: 47. Only high quality variants are reported.

Mayo Clinic Laboratories, Mayo Clinic
Classification: Benign. Last evaluated: 2022-03-24. Review status: criteria provided, single submitter. Criteria: ACMG Guidelines, 2015. Collection method: clinical testing. Allele origin: germline. Observed: 262 variant alleles.

GeneDx
Classification: Benign. Last evaluated: 2018-07-30. Review status: criteria provided, single submitter. Criteria: GeneDx Variant Classification Process June 2021. Collection method: clinical testing. Allele origin: germline. Affected: yes.

Illumina Laboratory Services, Illumina
Classification: Benign for Woodhouse-Sakati syndrome. Last evaluated: 2018-01-12. Review status: criteria provided, single submitter. Criteria: ICSL Variant Classification Criteria 13 December 2019. Collection method: clinical testing. Allele origin: germline.
Comment: This variant was observed in the ICSL laboratory as part of a predisposition screen in an ostensibly healthy population. It had not been previously curated by ICSL or reported in the Human Gene Mutation Database (HGMD: prior to June 1st, 2018), and was therefore a candidate for classification through an automated scoring system. Utilizing variant allele frequency, disease prevalence and penetrance estimates, and inheritance mode, an automated score was calculated to assess if this variant is too frequent to cause the disease. Based on the score and internal cut-off values, a variant classified as benign is not then subjected to further curation. The score for this variant resulted in a classification of benign for this disease.

Breakthrough Genomics
Classification: Benign. Review status: criteria provided, single submitter. Criteria: ACMG Guidelines, 2015. Collection method: not provided. Allele origin: germline. Inheritance: Autosomal recessive inheritance. Affected: yes.

Clinical Genomics, Uppaluri K&H Personalized Medicine Clinic
Classification: Benign for Woodhouse-Sakati syndrome. Review status: criteria provided, single submitter. Criteria: K & H Uppaluri Personalized Medicine Clinic Variant Classification & Assertion Criteria_Updated V.1. Collection method: research. Allele origin: unknown. Inheritance: Autosomal recessive inheritance.
Comment: Mutations in DCAF17 have been associated with a rare syndrome called Woodhouse Sakati Syndrome, which can have diabetes mellitus as one of the presentations.However no sufficient evidence is found to ascertain the role of this particular variant rs3731983, yet.

Clinical Genetics DNA and cytogenetics Diagnostics Lab, Erasmus MC, Erasmus Medical Center
Classification: Benign. Review status: no assertion criteria provided. Collection method: clinical testing. Allele origin: germline. Affected: yes. Study: VKGL Data-share Consensus. Not counted in ClinVar's aggregate classification.

Diagnostic Laboratory, Department of Genetics, University Medical Center Groningen
Classification: Benign for Woodhouse-Sakati syndrome. Review status: no assertion criteria provided. Collection method: clinical testing. Allele origin: germline. Affected: yes. Study: VKGL Data-share Consensus. Not counted in ClinVar's aggregate classification.

Genetic Services Laboratory, University of Chicago
Classification: Likely benign for AllHighlyPenetrant. Review status: no assertion criteria provided. Collection method: clinical testing. Allele origin: germline. Inheritance: Autosomal recessive inheritance. Not counted in ClinVar's aggregate classification.
Comment: Likely benign based on allele frequency in 1000 Genomes Project or ESP global frequency and its presence in a patient with a rare or unrelated disease phenotype. NOT Sanger confirmed.

Genome Diagnostics Laboratory, Amsterdam University Medical Center
Classification: Benign. Review status: no assertion criteria provided. Collection method: clinical testing. Allele origin: germline. Affected: yes. Study: VKGL Data-share Consensus. Not counted in ClinVar's aggregate classification.

Literature cited by the submitters: PubMed 31347785 (cited by Clinical Genomics, Uppaluri K&H Personalized Medicine Clinic); PubMed 35876063 (cited by Clinical Genomics, Uppaluri K&H Personalized Medicine Clinic); PubMed 27489925 (cited by Clinical Genomics, Uppaluri K&H Personalized Medicine Clinic).

NM_025000.4(DCAF17):c.999A>G (p.Gln333=)

Gene: DCAF17 (DDB1 and CUL4 associated factor 17; plus strand). Cytogenetic location: 2q31.1.
Variant type: single nucleotide variant.
Coding change: c.999A>G on transcript NM_025000.4 (MANE Select); coding-DNA position 999, A replaced by G.
Protein change: p.Gln333=; no amino-acid change (glutamine 333 retained).
Molecular consequence: synonymous variant. On other transcripts: non-coding transcript variant (1), intron variant (1).
Genome position (GRCh38, 1-based): chr2:171,473,883, A>G. VCF-style: chr2-171473883-A-G. GRCh37 (hg19) VCF-style: chr2-172330393-A-G.
Other names: p.Gln333=; c.982-4104A>G (NM_001164821.2).
Identifiers: ClinVar variation 128892 (VCV000128892.26), dbSNP rs3731983, ClinGen allele CA152563.